The following is an entry in ClinVar:

NM_001267550.2(TTN):c.46702C>T (p.Pro15568Ser)

Genes: TTN (titin; minus strand), TTN-AS1 (TTN antisense RNA 1; plus strand). Cytogenetic location: 2q31.2.
Variant type: single nucleotide variant.
Coding change: c.46702C>T on transcript NM_001267550.2 (MANE Select); coding-DNA position 46702, C replaced by T.
Protein change: p.Pro15568Ser; replaces proline 15568 with serine.
Molecular consequence: missense variant.
Genome position (GRCh38, 1-based): chr2:178,618,848, G>A on the plus strand (C>T on the coding strand, the complement: TTN is on the minus strand). VCF-style: chr2-178618848-G-A. GRCh37 (hg19) VCF-style: chr2-179483575-G-A.
Other names: c.41779C>T, p.Pro13927Ser (NM_001256850.1); c.19507C>T, p.Pro6503Ser (NM_003319.4); c.38998C>T, p.Pro13000Ser (NM_133378.4); c.19882C>T, p.Pro6628Ser (NM_133432.3); c.20083C>T, p.Pro6695Ser (NM_133437.4); short protein forms P15568S, P13000S, P6628S, P13927S, P6503S, P6695S.
Identifiers: ClinVar variation 404822 (VCV000404822.25), dbSNP rs561728671, ClinGen allele CA1995181.

ClinVar aggregate classification (germline): Conflicting classifications of pathogenicity. Review status: criteria provided, conflicting classifications (1 of 4 stars). 7 submissions from 7 submitters: Uncertain significance (4); Likely benign (1). 2 of the submissions do not count toward it. Last evaluated 2026-08-28.

Conditions:
TTN-related disorder. Also called: TTN-related disorders; TTN-related condition; TTN-related disease.
Autosomal recessive limb-girdle muscular dystrophy type 2J (LGMDR10). Also called: Limb-girdle muscular dystrophy, type 2J; MUSCULAR DYSTROPHY, LIMB-GIRDLE, AUTOSOMAL RECESSIVE 10. Identifiers: Orphanet 140922, MedGen C1837342, MONDO:0012127, OMIM 608807.
Dilated cardiomyopathy 1G (CMD1G). Identifiers: Orphanet 154, MedGen C1858763, MONDO:0011400, OMIM 604145.

Allele frequency attached by ClinVar (database versions not stated): gnomAD 0.00001; ExAC 0.00003; gnomAD exomes 0.00003 and 0.00005; TOPMed 0.00006.
gnomAD v4.1: 68 of 1,608,646 alleles (0.0042%); highest among the groups gnomAD compares: Admixed American, 0.015%; no homozygotes.

Submissions (7):

PreventionGenetics, part of Exact Sciences
Classification: Uncertain significance for TTN-related condition. Last evaluated: 2026-08-28. Review status: criteria provided, single submitter. Criteria: ACMG Guidelines, 2015. Collection method: clinical testing. Allele origin: germline.
Comment: The TTN c.46702C>T variant is predicted to result in the amino acid substitution p.Pro15568Ser. To our knowledge, this variant has not been reported in the literature. This variant is reported in 0.0088% of alleles in individuals of Latino descent in gnomAD. At this time, the clinical significance of this variant is uncertain due to the absence of conclusive functional and genetic evidence.

Revvity Omics, Revvity
Classification: Uncertain significance. Last evaluated: 2025-04-14. Review status: criteria provided, single submitter. Criteria: ACMG Guidelines, 2015. Collection method: clinical testing. Allele origin: germline.

Blueprint Genetics
Classification: Likely benign. Last evaluated: 2023-06-15. Review status: criteria provided, single submitter. Criteria: ACMG Guidelines, 2015. Collection method: clinical testing. Allele origin: germline.

Labcorp Genetics (formerly Invitae), Labcorp
Classification: Uncertain significance for Dilated cardiomyopathy 1G; Autosomal recessive limb-girdle muscular dystrophy type 2J. Last evaluated: 2018-01-03. Review status: criteria provided, single submitter. Criteria: Invitae Variant Classification Sherloc (09022015). Collection method: clinical testing. Allele origin: germline.

Eurofins Ntd Llc (ga)
Classification: Uncertain significance. Last evaluated: 2017-04-06. Review status: criteria provided, single submitter. Criteria: EGL Classification Definitions 2015. Collection method: clinical testing. Allele origin: germline. Observed: 2 variant alleles, 2 heterozygotes.

Diagnostic Laboratory, Department of Genetics, University Medical Center Groningen
Classification: Uncertain significance. Review status: no assertion criteria provided. Collection method: clinical testing. Allele origin: germline. Affected: yes. Study: VKGL Data-share Consensus. Not counted in ClinVar's aggregate classification.

Laboratory of Diagnostic Genome Analysis, Leiden University Medical Center (LUMC)
Classification: Uncertain significance. Review status: no assertion criteria provided. Collection method: clinical testing. Allele origin: germline. Affected: yes. Study: VKGL Data-share Consensus. Not counted in ClinVar's aggregate classification.